The following is an entry in ClinVar:

NM_000548.5(TSC2):c.1378G>A (p.Ala460Thr)

Gene: TSC2 (TSC complex subunit 2; plus strand). Cytogenetic location: 16p13.3.
Variant type: single nucleotide variant.
Coding change: c.1378G>A on transcript NM_000548.5 (MANE Select); coding-DNA position 1378, G replaced by A.
Protein change: p.Ala460Thr; replaces alanine 460 with threonine.
Molecular consequence: missense variant.
Genome position (GRCh38, 1-based): chr16:2,062,988, G>A. VCF-style: chr16-2062988-G-A. GRCh37 (hg19) VCF-style: chr16-2112989-G-A.
Other names: c.1378G>A, p.Ala460Thr (NM_001077183.3, NM_001114382.3, NM_001363528.2 and 3 more transcripts); c.1267G>A, p.Ala423Thr (NM_001318827.2); c.1231G>A, p.Ala411Thr (NM_001318829.2); c.778G>A, p.Ala260Thr (NM_001318831.2); c.1411G>A, p.Ala471Thr (NM_001318832.2); short protein forms A460T, A423T, A411T, A471T, A260T.
Identifiers: ClinVar variation 49660 (VCV000049660.88), dbSNP rs137854154, ClinGen allele CA014629.
Genomic context (GRCh38, chr16:2,062,988, plus strand): 5'-GGCCGGGCACTCCCCACCCGCCCCAGCAGGCTGCCGTCCCGCAGGAGCGAGTCCCGAGGC[G>A]CCGTGCGCATCAAGGTGCTGGACGTGCTGTCCTTTGTGCTGCTCATCAACAGGCAGTTCT-3'
Protein context (NP_000539.2, residues 450-470): ERFFRSESRG[Ala460Thr]VRIKVLDVLS

ClinVar aggregate classification (germline): Benign/Likely benign. Review status: criteria provided, multiple submitters, no conflicts (2 of 4 stars). 28 submissions from 28 submitters: Benign (13); Likely benign (8). 7 of the submissions do not count toward it. Last evaluated 2026-09-01.

Conditions:
Tuberous sclerosis 2 (TSC2). Identifiers: Orphanet 805, MedGen C1860707, MONDO:0013199, OMIM 613254.
Lymphangiomyomatosis (LAM). Also called: Lymphangioleiomyomatosis; Lymphangioleiomyomatosis, somatic. Identifiers: Orphanet 538, MedGen C0751674, MONDO:0011705, OMIM 606690.
Isolated focal cortical dysplasia type II (FCORD2). Also called: Focal cortical dysplasia type II; CORTICAL DYSPLASIA OF TAYLOR. Identifiers: Orphanet 268994, MedGen C1846385, MONDO:0011818, OMIM 607341, HP:0032051.
Hereditary cancer-predisposing syndrome. Also called: Neoplastic Syndromes, Hereditary; Tumor predisposition; Hereditary Cancer Syndrome; Hereditary neoplastic syndrome. Identifiers: Orphanet 140162, MedGen C0027672, MeSH D009386, MONDO:0015356.
Tuberous sclerosis syndrome (TSC). Also called: Tuberous Sclerosis Complex; Tuberous sclerosis. Identifiers: Orphanet 805, MedGen C0041341, MONDO:0001734.

Allele frequency attached by ClinVar (database versions not stated): gnomAD 0.00068 and 0.00074; gnomAD exomes 0.00068 and 0.00125; ESP Exome Variant Server 0.00080; TOPMed 0.00087; ExAC 0.00241.
gnomAD v4.1: 1,122 of 1,551,020 alleles (0.072%); highest among the groups gnomAD compares: Middle Eastern, 1.2%; 4 homozygotes.

Submissions (28):

CeGaT Center for Human Genetics Tuebingen
Classification: Likely benign. Last evaluated: 2026-09-01. Review status: criteria provided, single submitter. Criteria: CeGaT Center For Human Genetics Tuebingen Variant Classification Criteria Version 2. Collection method: clinical testing. Allele origin: germline. Affected: yes. Observed: 87 variant alleles.
Comment: TSC2: BS1

Labcorp Genetics (formerly Invitae), Labcorp
Classification: Benign for Tuberous sclerosis 2. Last evaluated: 2026-02-03. Review status: criteria provided, single submitter. Criteria: Invitae Variant Classification Sherloc (09022015). Collection method: clinical testing. Allele origin: germline.

Myriad Genetics, Inc.
Classification: Benign for Tuberous sclerosis 2. Last evaluated: 2025-05-14. Review status: criteria provided, single submitter. Criteria: Myriad Autosomal Dominant, Autosomal Recessive and X-Linked Classification Criteria (2023). Collection method: clinical testing. Allele origin: unknown.
Comment: This variant is considered benign. This variant has been observed at a population frequency that is significantly greater than expected given the associated disease prevalence and penetrance. Homozygosity has been confirmed in one or more individuals. As homozygosity for pathogenic variants in this gene is generally assumed to result in embryonic lethality, this variant is unlikely to be pathogenic.

ARUP Laboratories, Molecular Genetics and Genomics, ARUP Laboratories
Classification: Likely benign. Last evaluated: 2025-03-13. Review status: criteria provided, single submitter. Criteria: ARUP Molecular Germline Variant Investigation Process 2024. Collection method: clinical testing. Allele origin: germline.

Blueprint Genetics
Classification: Likely benign. Last evaluated: 2024-11-27. Review status: criteria provided, single submitter. Criteria: ACMG Guidelines, 2015. Collection method: clinical testing. Allele origin: germline.

All of Us Research Program, National Institutes of Health
Classification: Benign for Tuberous sclerosis syndrome. Last evaluated: 2024-09-23. Review status: criteria provided, single submitter. Criteria: ACMG Guidelines, 2015. Collection method: clinical testing. Allele origin: germline. Inheritance: Autosomal dominant inheritance. Observed: 385 variant alleles, 381 heterozygotes, 4 homozygotes.
Comment: This study involves interpretation of variants in research participants for the purpose of population health screening. Participant phenotype was not available at the time of variant classification. Additional details can be found in publication PMID: 35346344, PMCID: PMC8962531

Mayo Clinic Laboratories, Mayo Clinic
Classification: Benign. Last evaluated: 2024-08-20. Review status: criteria provided, single submitter. Criteria: ACMG Guidelines, 2015. Collection method: clinical testing. Allele origin: germline. Observed: 16 variant alleles.
Comment: BS1, BS2

Department of Pathology and Laboratory Medicine, Sinai Health System
Classification: Benign for Lymphangiomyomatosis; Isolated focal cortical dysplasia type II; Tuberous sclerosis 2. Last evaluated: 2024-05-14. Review status: criteria provided, single submitter. Criteria: ACMG Guidelines, 2015. Collection method: clinical testing. Allele origin: germline.

KCCC/NGS Laboratory, Kuwait Cancer Control Center
Classification: Benign for Tuberous sclerosis 2. Last evaluated: 2023-07-07. Review status: criteria provided, single submitter. Criteria: ACMG Guidelines, 2015. Collection method: clinical testing. Allele origin: germline. Affected: yes.

Color Diagnostics, LLC DBA Color Health
Classification: Benign for Tuberous sclerosis syndrome. Last evaluated: 2022-09-20. Review status: criteria provided, single submitter. Criteria: ACMG Guidelines, 2015. Collection method: clinical testing. Allele origin: germline.

Genome-Nilou Lab
Classification: Benign for Tuberous sclerosis 2. Last evaluated: 2021-11-07. Review status: criteria provided, single submitter. Criteria: ACMG Guidelines, 2015. Collection method: clinical testing. Allele origin: germline. Affected: no.

Genetic Services Laboratory, University of Chicago
Classification: Likely benign. Last evaluated: 2021-10-07. Review status: criteria provided, single submitter. Criteria: ACMG Guidelines, 2015. Collection method: clinical testing. Allele origin: germline. Affected: no.

Women's Health and Genetics/Laboratory Corporation of America, LabCorp
Classification: Benign. Last evaluated: 2021-06-28. Review status: criteria provided, single submitter. Criteria: LabCorp Variant Classification Summary - May 2015. Collection method: clinical testing. Allele origin: germline.
Comment: Variant summary: TSC2 c.1378G>A (p.Ala460Thr) results in a non-conservative amino acid change located in the Tuberin, N-terminal domain of the encoded protein sequence. Three of five in-silico tools predict a benign effect of the variant on protein function. The variant allele was found at a frequency of 0.0012 in 155816 control chromosomes in the gnomAD database, including 2 homozygotes. The observed variant frequency is approximately 18.11 fold of the estimated maximal expected allele frequency for a pathogenic variant in TSC2 causing Tuberous Sclerosis Complex phenotype (6.9e-05), strongly suggesting that the variant is benign. To our knowledge, no occurrence of c.1378G>A in individuals affected with Tuberous Sclerosis Complex and no experimental evidence demonstrating its impact on protein function have been reported. Eight clinical diagnostic laboratories have submitted clinical-significance assessments for this variant to ClinVar after 2014 without evidence for independent evaluation. All laboratories classified the variant as benign/likely benign. Based on the evidence outlined above, the variant was classified as benign.

Sema4
Classification: Benign for Hereditary cancer-predisposing syndrome. Last evaluated: 2020-05-10. Review status: criteria provided, single submitter. Criteria: Sema4 Curation Guidelines. Collection method: curation. Allele origin: germline.

Mendelics
Classification: Likely benign for Tuberous sclerosis 2. Last evaluated: 2019-05-28. Review status: criteria provided, single submitter. Criteria: Mendelics Assertion Criteria 2017. Collection method: clinical testing. Allele origin: unknown.

GeneDx
Classification: Benign. Last evaluated: 2018-11-08. Review status: criteria provided, single submitter. Criteria: GeneDx Variant Classification Process June 2021. Collection method: clinical testing. Allele origin: germline. Affected: yes.
Comment: This variant is associated with the following publications: (PMID: 25281918, 25637381, 21309039, 24728327, 19258292, 27884173)

Illumina Laboratory Services, Illumina
Classification: Likely benign for Tuberous sclerosis syndrome. Last evaluated: 2018-02-12. Review status: criteria provided, single submitter. Criteria: ICSL Variant Classification Criteria 13 December 2019. Collection method: clinical testing. Allele origin: germline.
Comment: This variant was observed as part of a predisposition screen in an ostensibly healthy population. A literature search was performed for the gene, cDNA change, and amino acid change (where applicable). No publications were found based on this search. Allele frequency data from public databases allowed determination this variant is unlikely to cause disease. Therefore, this variant is classified as likely benign.

Laboratory for Molecular Medicine, Mass General Brigham Personalized Medicine
Classification: Benign. Last evaluated: 2016-04-25. Review status: criteria provided, single submitter. Criteria: LMM Criteria. Collection method: clinical testing. Allele origin: germline.
Comment: Variant identified in a genome or exome case(s) and assessed due to predicted null impact of the variant or pathogenic assertions in the literature or databases. Disclaimer: This variant has not undergone full assessment. The following are preliminary notes: ExAC: 0.5% (46/8536) European chromosomes; ClinVar: 2 labs classify as LB. 3/5 pubs describe as nonpathogenic.

Eurofins Ntd Llc (ga)
Classification: Likely benign. Last evaluated: 2015-10-21. Review status: criteria provided, single submitter. Criteria: EGL Classification Definitions 2015. Collection method: clinical testing. Allele origin: germline. Observed: 1 variant allele, 1 heterozygote.

Ambry Genetics
Classification: Benign for Hereditary cancer-predisposing syndrome. Last evaluated: 2015-08-20. Review status: criteria provided, single submitter. Criteria: Ambry Variant Classification Scheme 2023. Collection method: clinical testing. Allele origin: germline.

Breakthrough Genomics
Classification: Likely benign. Review status: criteria provided, single submitter. Criteria: ACMG Guidelines, 2015. Collection method: not provided. Allele origin: germline. Inheritance: Autosomal dominant inheritance. Affected: yes.

Biochemical Molecular Genetic Laboratory, King Abdulaziz Medical City
Classification: Benign for Tuberous sclerosis 2. Last evaluated: 2020-02-05. Review status: no assertion criteria provided. Collection method: clinical testing. Allele origin: germline. Affected: yes. Not counted in ClinVar's aggregate classification.

CSER _CC_NCGL, University of Washington
Classification: Likely benign for Tuberous sclerosis. Last evaluated: 2014-06-01. Review status: no assertion criteria provided. Collection method: research. Allele origin: germline. Inheritance: Autosomal dominant inheritance. Study: ESP 6500 variant annotation. Not counted in ClinVar's aggregate classification.
Comment: Variants classified for the Actionable exomic incidental findings in 6503 participants: challenges of variant classification manuscript

ITMI
No classification provided. Condition: AllHighlyPenetrant. Last evaluated: 2013-09-19. Review status: no classification provided. Collection method: reference population. Allele origin: germline. Not counted in ClinVar's aggregate classification.
Comment: Please see associated publication for description of ethnicities

Clinical Genetics DNA and cytogenetics Diagnostics Lab, Erasmus MC, Erasmus Medical Center
Classification: Benign. Review status: no assertion criteria provided. Collection method: clinical testing. Allele origin: germline. Affected: yes. Study: VKGL Data-share Consensus. Not counted in ClinVar's aggregate classification.

Clinical Genetics, Academic Medical Center
Classification: Benign. Review status: no assertion criteria provided. Collection method: clinical testing. Allele origin: germline. Affected: yes. Study: VKGL Data-share Consensus. Not counted in ClinVar's aggregate classification.

Genome Diagnostics Laboratory, Amsterdam University Medical Center
Classification: Benign. Review status: no assertion criteria provided. Collection method: clinical testing. Allele origin: germline. Affected: yes. Study: VKGL Data-share Consensus. Not counted in ClinVar's aggregate classification.

Tuberous sclerosis database (TSC2)
No classification provided. Condition: TSC. Review status: no classification provided. Criteria: Tuberous Sclerosis Database Assertion Criteria 2015. Collection method: curation. Allele origin: germline. Affected: yes. Not counted in ClinVar's aggregate classification.

Literature cited by the submitters: PubMed 19258292 (cited by Ambry Genetics); PubMed 21309039 (cited by Ambry Genetics); PubMed 24728327 (cited by Ambry Genetics and ITMI); PubMed 25281918 (cited by Ambry Genetics).